The following is an entry in ClinVar:

ClinVar aggregate classification (germline): Uncertain significance (1 of 4 stars; one submission).

Conditions:
Ciliary dyskinesia, primary, 37 (CILD37). Also called: CILIARY DYSKINESIA, PRIMARY, 37, WITH OR WITHOUT SITUS INVERSUS. Identifiers: MedGen C4539798, MONDO:0033204, OMIM 617577.

Allele frequency attached by ClinVar (database versions not stated): gnomAD exomes below 0.00001.
gnomAD v4.1: 1 of 1,596,280 alleles (0.000063%); highest among the groups gnomAD compares: Non-Finnish European, 0.000085%; no homozygotes.

Submission:

Baylor Genetics
Classification: Uncertain significance for Ciliary dyskinesia, primary, 37. Last evaluated: 2018-05-08. Review status: criteria provided, single submitter. Criteria: ACMG Guidelines, 2015. Collection method: clinical testing. Allele origin: unknown. Affected: yes.
Comment: This variant was determined to be of uncertain significance according to ACMG Guidelines, 2015 [PMID:25741868].

NM_015512.5(DNAH1):c.11338A>G (p.Lys3780Glu)

Gene: DNAH1 (dynein axonemal heavy chain 1; plus strand). Cytogenetic location: 3p21.1.
Variant type: single nucleotide variant.
Coding change: c.11338A>G on transcript NM_015512.5 (MANE Select); coding-DNA position 11338, A replaced by G.
Protein change: p.Lys3780Glu; replaces lysine 3780 with glutamic acid.
Molecular consequence: missense variant.
Genome position (GRCh38, 1-based): chr3:52,396,446, A>G. VCF-style: chr3-52396446-A-G. GRCh37 (hg19) VCF-style: chr3-52430462-A-G.
Other names: short protein forms K3780E.
Identifiers: ClinVar variation 1032694 (VCV001032694.1), dbSNP rs1578207026, ClinGen allele CA353077996.
Genomic context (GRCh38, chr3:52,396,446, plus strand): 5'-CTCTGGCTCACCAGCCTGCCCAGCAACAAGTTCCCAGTGTCCATCCTGCAGAACGGCTCC[A>G]AGATGACCATTGAGCCGCCACGCGGTGTCAGGGCCAACCTGCTGAAGTCCTATAGTAGCC-3'
Protein context (NP_056327.4, residues 3770-3790): FPVSILQNGS[Lys3780Glu]MTIEPPRGVR